The following is an entry in ClinVar:

NM_001007228.2(SPOP):c.412C>T (p.Arg138Cys)

Gene: SPOP (speckle type BTB/POZ protein; minus strand). Cytogenetic location: 17q21.33.
Variant type: single nucleotide variant.
Coding change: c.412C>T on transcript NM_001007228.2 (MANE Select); coding-DNA position 412, C replaced by T.
Protein change: p.Arg138Cys; replaces arginine 138 with cysteine.
Molecular consequence: missense variant.
Genome position (GRCh38, 1-based): chr17:49,619,049, G>A on the plus strand (C>T on the coding strand, the complement: SPOP is on the minus strand). VCF-style: chr17-49619049-G-A. GRCh37 (hg19) VCF-style: chr17-47696411-G-A.
Other names: c.412C>T, p.Arg138Cys (NM_001007226.1, NM_001007227.1, NM_001007229.1 and 5 more transcripts); short protein forms R138C.
Identifiers: ClinVar variation 830359 (VCV000830359.11), dbSNP rs968974699, ClinGen allele CA291498975.
Genomic context (GRCh38, chr17:49,619,049, plus strand): 5'-AGAGGGTAAGCTTGTCATCAGGGAGAAGCCCGTTGGCCTCATCCAAAAGAAAATCTCTAC[G>A]GATGAATTTCTTGAATCCCCAGTCTTTGCCTTGCACAAACCTATATGCCCGTTGACTCTC-3'
Protein context (NP_001007229.1, residues 128-148): GKDWGFKKFI[Arg138Cys]RDFLLDEANG

ClinVar aggregate classification (germline): Pathogenic/Likely pathogenic. Review status: criteria provided, multiple submitters, no conflicts (2 of 4 stars). 8 submissions from 8 submitters: Pathogenic (2); Likely pathogenic (2). 4 of the submissions do not count toward it. Last evaluated 2026-05-19.

Conditions:
Neurodevelopmental disorder with relative macrocephaly and with or without cardiac or endocrine anomalies. Also called: Nabais Sa-de Vries syndrome, type 2. Identifiers: Orphanet 662175, MedGen C5394221, MONDO:0032943, OMIM 618829.

Allele frequency attached by ClinVar (database versions not stated): gnomAD exomes below 0.00001.
gnomAD v4.1: 1 of 1,614,090 alleles (0.000062%); highest among the groups gnomAD compares: South Asian, 0.0011%; no homozygotes.

Submissions (8):

Human Genetics Bochum, Ruhr University Bochum
Classification: Likely pathogenic for Neurodevelopmental disorder with relative macrocephaly and with or without cardiac or endocrine anomalies. Last evaluated: 2026-05-19. Review status: criteria provided, single submitter. Criteria: ACMG Guidelines, 2015. Collection method: clinical testing. Allele origin: germline. Affected: yes.
Comment: ACMG criteria used to clasify this variant: PS3_MOD, PM1, PM2_SUP, PP2

Women's Health and Genetics/Laboratory Corporation of America, LabCorp
Classification: Pathogenic for Neurodevelopmental disorder with relative macrocephaly and with or without cardiac or endocrine anomalies. Last evaluated: 2025-03-17. Review status: criteria provided, single submitter. Criteria: LabCorp Variant Classification Summary - May 2015. Collection method: clinical testing. Allele origin: germline.
Comment: Variant summary: SPOP c.412C>T (p.Arg138Cys) results in a non-conservative amino acid change located in the MATH domain (Nabais_2020) of the encoded protein sequence. Four of five in-silico tools predict a damaging effect of the variant on protein function. The variant was absent in 250976 control chromosomes (genomAD). c.412C>T has been reported in the literature in individuals affected with Neurodevelopmental Disorders (clinical features: Intellectual disability/developmental delay, Epilepsy, Behavioral abnormalities, Craniofacial dysmorphims, Hearing impairment, Cardiovascular abnormality, Endocrine abnormality and Sleep disturbance), including de novo occurrences (Nabais_2020, Kaplanis_2020, Zhou_2022). These data indicate that the variant may be associated with disease. At least one publication reports that this variant affected the SPOP protein function (Nabais_2020). The following publications have been ascertained in the context of this evaluation (PMID: 33057194, 32109420, 35982159). ClinVar contains an entry for this variant (Variation ID: 830359). Based on the evidence outlined above, the variant was classified as pathogenic.

GeneDx
Classification: Pathogenic. Last evaluated: 2023-03-27. Review status: criteria provided, single submitter. Criteria: GeneDx Variant Classification Process June 2021. Collection method: clinical testing. Allele origin: germline. Affected: yes.
Comment: Published functional studies suggest a damaging effect: dominant-negative effect on SPOP ubiquitinase function (Nabais Sa et al., 2020); Not observed at significant frequency in large population cohorts (gnomAD); In silico analysis supports that this missense variant has a deleterious effect on protein structure/function; Within in the MATH domain; This variant is associated with the following publications: (PMID: 32109420)

SIB Swiss Institute of Bioinformatics
Classification: Likely pathogenic for Neurodevelopmental disorder with relative macrocephaly and with or without cardiac or endocrine anomalies. Last evaluated: 2020-09-10. Review status: criteria provided, single submitter. Criteria: ACMG Guidelines, 2015. Collection method: curation. Allele origin: unknown.
Comment: This variant is interpreted as likely pathogenic for Nabais Sa-de Vries syndrome 2, autosomal dominant. The following ACMG Tag(s) were applied: Absent from controls (or at extremely low frequency if recessive) in Exome Sequencing Project, 1000 Genomes Project, or Exome Aggregation Consortium (PM2); De novo (paternity and maternity confirmed) (PS2); Missense variant in a gene that has a low rate of benign missense variation and in which missense variants are a common mechanism of disease (PP2). Well-established functional studies show a deleterious effect (PS3 downgraded to supporting).

Solve-RD Consortium
Classification: Likely pathogenic for Neurodevelopmental disorder with relative macrocephaly and with or without cardiac or endocrine anomalies. Last evaluated: 2022-06-01. Review status: no assertion criteria provided. Collection method: provider interpretation. Allele origin: inherited. Affected: yes. Not counted in ClinVar's aggregate classification.
Comment: Variant confirmed as disease-causing by referring clinical team

Variant identified during reanalysis of unsolved cases by the Solve-RD project. The Solve-RD project has received funding from the European Union’s Horizon 2020 research and innovation programme under grant agreement No 779257.

OMIM
Classification: Pathogenic for NABAIS SA-DE VRIES SYNDROME, TYPE 2. Last evaluated: 2020-05-01. Review status: no assertion criteria provided. Collection method: literature only. Allele origin: unknown. Not counted in ClinVar's aggregate classification.

Genome Diagnostics Laboratory, University Medical Center Utrecht
Classification: Uncertain significance. Review status: no assertion criteria provided. Collection method: clinical testing. Allele origin: germline. Affected: yes. Study: VKGL Data-share Consensus. Not counted in ClinVar's aggregate classification.

Joint Genome Diagnostic Labs from Nijmegen and Maastricht, Radboudumc and MUMC+
Classification: Uncertain significance. Review status: no assertion criteria provided. Collection method: clinical testing. Allele origin: germline. Affected: yes. Study: VKGL Data-share Consensus. Not counted in ClinVar's aggregate classification.

Literature cited by the submitters: PubMed 32109420 (cited by 4 submitters); PubMed 35982159 (cited by Women's Health and Genetics/Laboratory Corporation of America, LabCorp); PubMed 33057194 (cited by Women's Health and Genetics/Laboratory Corporation of America, LabCorp); PubMed 39825153 (cited by Solve-RD Consortium).